The following is an entry in ClinVar:

NM_004187.5(KDM5C):c.1839G>T (p.Glu613Asp)

Gene: KDM5C (lysine demethylase 5C; minus strand). Cytogenetic location: Xp11.22.
Variant type: single nucleotide variant.
Coding change: c.1839G>T on transcript NM_004187.5 (MANE Select); coding-DNA position 1839, G replaced by T.
Protein change: p.Glu613Asp; replaces glutamic acid 613 with aspartic acid.
Molecular consequence: missense variant. On other transcripts: non-coding transcript variant (3).
Genome position (GRCh38, 1-based): chrX:53,201,881, C>A on the plus strand (G>T on the coding strand, the complement: KDM5C is on the minus strand). VCF-style: chrX-53201881-C-A. GRCh37 (hg19) VCF-style: chrX-53231063-C-A.
Other names: c.1638G>T, p.Glu546Asp (NM_001146702.2); c.1836G>T, p.Glu612Asp (NM_001282622.3, NM_001353979.2, NM_001353982.2); c.1839G>T, p.Glu613Asp (NM_001353978.3, NM_001353981.2, NM_001353984.2); short protein forms E546D, E612D, E613D.
Identifiers: ClinVar variation 3235010 (VCV003235010.1), dbSNP rs2519441874, ClinGen allele CA413124358.

ClinVar aggregate classification (germline): Uncertain significance (1 of 4 stars; one submission).

Conditions:
Intellectual developmental disorder, X-linked, syndromic, Claes-Jensen type. Also called: Syndromic X-linked intellectual disability Claes-Jensen type; INTELLECTUAL DEVELOPMENTAL DISORDER, X-LINKED, SYNDROMIC 16; MENTAL RETARDATION, X-LINKED, SYNDROMIC 16. Identifiers: Orphanet 85279, MedGen C1845243, MONDO:0010355, OMIM 300534.

Submission:

Neuberg Centre For Genomic Medicine, NCGM
Classification: Uncertain significance for Intellectual developmental disorder, X-linked, syndromic, Claes-Jensen type. Review status: criteria provided, single submitter. Criteria: ACMG Guidelines, 2015. Collection method: clinical testing. Allele origin: germline. Inheritance: X-linked recessive inheritance. Affected: yes.
Comment: The missense c.1839G>Tp.Glu613Asp variant in KDM5C gene has not been reported previously as a pathogenic variant nor a benign variant, to our knowledge. The p.Glu613Asp variant is novel not in any individuals in gnomAD Exomes and 1000 Genomes. This variant has not been reported to the ClinVar database. The amino acid change p.Glu613Asp in KDM5C is predicted as conserved by GERP++ and PhyloP across 100 vertebrates. The amino acid Glu at position 613 is changed to a Asp changing protein sequence and it might alter its composition and physico-chemical properties. For these reasons, this variant has been classified as a Variant of Uncertain Significance VUS.